The following is an entry in ClinVar:

ClinVar aggregate classification (germline): Uncertain significance (1 of 4 stars; one submission).

Conditions:
TTN-related disorder. Also called: TTN-related condition; TTN-related disease; TTN-related disorders.

gnomAD v4.1: 31 of 1,613,616 alleles (0.0019%); highest among the groups gnomAD compares: Middle Eastern, 0.033%; no homozygotes.

Submission:

PreventionGenetics, part of Exact Sciences
Classification: Uncertain significance for TTN-related condition. Last evaluated: 2025-06-18. Review status: criteria provided, single submitter. Criteria: ACMG Guidelines, 2015. Collection method: clinical testing. Allele origin: germline.
Comment: The TTN c.80426G>A variant is predicted to result in the amino acid substitution p.Gly26809Asp. To our knowledge, this variant has not been reported in the literature. This variant is reported in 0.011% of alleles in individuals of East Asian descent in gnomAD. At this time, the clinical significance of this variant is uncertain due to the absence of conclusive functional and genetic evidence.

NM_001267550.2(TTN):c.80426G>A (p.Gly26809Asp)

Genes: TTN (titin; minus strand), TTN-AS1 (TTN antisense RNA 1; plus strand). Cytogenetic location: 2q31.2.
Variant type: single nucleotide variant.
Coding change: c.80426G>A on transcript NM_001267550.2 (MANE Select); coding-DNA position 80426, G replaced by A.
Protein change: p.Gly26809Asp; replaces glycine 26809 with aspartic acid.
Molecular consequence: missense variant.
Genome position (GRCh38, 1-based): chr2:178,565,706, C>T on the plus strand (G>A on the coding strand, the complement: TTN is on the minus strand). VCF-style: chr2-178565706-C-T. GRCh37 (hg19) VCF-style: chr2-179430433-C-T.
Other names: c.75503G>A, p.Gly25168Asp (NM_001256850.1); c.53231G>A, p.Gly17744Asp (NM_003319.4); c.72722G>A, p.Gly24241Asp (NM_133378.4); c.53606G>A, p.Gly17869Asp (NM_133432.3); c.53807G>A, p.Gly17936Asp (NM_133437.4); short protein forms G17936D, G24241D, G25168D, G26809D, G17744D, G17869D.
Identifiers: ClinVar variation 4979692 (VCV004979692.1).
Genomic context (GRCh38, chr2:178,565,706, plus strand): 5'-ATGCTCCATTTTTCAGTTCCTTTGGGCTGCATTTCAACAACGTACCCCAGGACTCTGCTA[C>T]CGCCATCATGTTCAGGTTTCTCCCACATAAGTGATGCACTGGTCTGGGACACATCAGTGA-3'
Protein context (NP_001254479.2, residues 26799-26819): LMWEKPEHDG[Gly26809Asp]SRVLGYVVEM